The following is an entry in ClinVar:

NM_058004.4(PI4KA):c.2575-1G>A

Gene: PI4KA (phosphatidylinositol 4-kinase alpha; minus strand). Cytogenetic location: 22q11.21.
Variant type: single nucleotide variant.
Coding change: c.2575-1G>A on transcript NM_058004.4 (MANE Select); the canonical splice acceptor site of the intron before coding-DNA position 2575, G replaced by A.
Molecular consequence: splice acceptor variant.
Genome position (GRCh38, 1-based): chr22:20,764,951, C>T on the plus strand (G>A on the coding strand, the complement: PI4KA is on the minus strand). VCF-style: chr22-20764951-C-T. GRCh37 (hg19) VCF-style: chr22-21119239-C-T.
Other names: c.2509-1G>A (NM_001362863.2); c.2575-1G>A (NM_001362862.2).
Identifiers: ClinVar variation 1686063 (VCV001686063.2), dbSNP rs775166339, ClinGen allele CA10115670.

ClinVar aggregate classification (germline): Pathogenic/Likely pathogenic. Review status: criteria provided, multiple submitters, no conflicts (2 of 4 stars). 2 submissions from 2 submitters: Pathogenic (1); Likely pathogenic (1). Last evaluated 2025-09-05.

Conditions:
PI4KA-related disorder. Also called: PI4KA-related disorders; PI4KA-related condition. Identifiers: MedGen CN378147, MONDO:1040012.
Polymicrogyria, perisylvian, with cerebellar hypoplasia and arthrogryposis (NEDSPLB). Identifiers: MedGen C4225295, MONDO:0014679, OMIM 616531.

Allele frequency attached by ClinVar (database versions not stated): gnomAD 0.00001; ExAC 0.00003; gnomAD exomes 0.00004.
gnomAD v4.1: 23 of 1,602,516 alleles (0.0014%); highest among the groups gnomAD compares: Admixed American, 0.027%; no homozygotes.

Submissions (2):

PreventionGenetics, part of Exact Sciences
Classification: Likely pathogenic for PI4KA-related condition. Last evaluated: 2025-09-05. Review status: criteria provided, single submitter. Criteria: ACMG Guidelines, 2015. Collection method: clinical testing. Allele origin: germline.
Comment: The PI4KA c.2575-1G>A variant is predicted to disrupt the AG splice acceptor site and interfere with normal splicing. To our knowledge, this variant has not been reported in the literature. This variant is reported in 0.024% of alleles in individuals of Latino descent in gnomAD. Variants that disrupt the consensus splice acceptor site in PI4KA are expected to be pathogenic. This variant is interpreted as likely pathogenic.

Mendelics
Classification: Pathogenic for Polymicrogyria, perisylvian, with cerebellar hypoplasia and arthrogryposis. Last evaluated: 2022-05-04. Review status: criteria provided, single submitter. Criteria: Mendelics Assertion Criteria 2019. Collection method: clinical testing. Allele origin: germline.